The following is an entry in ClinVar:

NM_003673.4(TCAP):c.378G>C (p.Gln126His)

Gene: TCAP (titin-cap; plus strand). Cytogenetic location: 17q12.
Variant type: single nucleotide variant.
Coding change: c.378G>C on transcript NM_003673.4 (MANE Select); coding-DNA position 378, G replaced by C.
Protein change: p.Gln126His; replaces glutamine 126 with histidine.
Molecular consequence: missense variant.
Genome position (GRCh38, 1-based): chr17:39,665,983, G>C. VCF-style: chr17-39665983-G-C. GRCh37 (hg19) VCF-style: chr17-37822236-G-C.
Other names: short protein forms Q126H.
Identifiers: ClinVar variation 496212 (VCV000496212.12), dbSNP rs749685550, ClinGen allele CA8532903.

ClinVar aggregate classification (germline): Uncertain significance. Review status: criteria provided, multiple submitters, no conflicts (2 of 4 stars). 3 submissions from 3 submitters: Uncertain significance (3). Last evaluated 2026-01-13.

Conditions:
Hypertrophic cardiomyopathy 25 (CMH25). Also called: CARDIOMYOPATHY, FAMILIAL HYPERTROPHIC, 25. Identifiers: MedGen C4225408, MONDO:0011843, OMIM 607487.
Primary familial hypertrophic cardiomyopathy (HCM). Identifiers: Orphanet 99739, MedGen C0949658, MeSH D024741, MONDO:0024573. Inheritance: Various modes of inheritance.
Cardiovascular phenotype. Identifiers: MedGen CN230736.

Allele frequency attached by ClinVar (database versions not stated): gnomAD exomes 0.00001; TOPMed 0.00001; ExAC 0.00002; gnomAD 0.00002.

Submissions (3):

Labcorp Genetics (formerly Invitae), Labcorp
Classification: Uncertain significance for Hypertrophic cardiomyopathy 25; Primary familial hypertrophic cardiomyopathy. Last evaluated: 2026-01-13. Review status: criteria provided, single submitter. Criteria: Invitae Variant Classification Sherloc (09022015). Collection method: clinical testing. Allele origin: germline.
Comment: This sequence change replaces glutamine, which is neutral and polar, with histidine, which is basic and polar, at codon 126 of the TCAP protein (p.Gln126His). This variant is present in population databases (rs749685550, gnomAD 0.006%). This variant has not been reported in the literature in individuals affected with TCAP-related conditions. ClinVar contains an entry for this variant (Variation ID: 496212). An algorithm developed to predict the effect of missense changes on protein structure and function (PolyPhen-2) suggests that this variant is likely to be tolerated. In summary, the available evidence is currently insufficient to determine the role of this variant in disease. Therefore, it has been classified as a Variant of Uncertain Significance.

Ambry Genetics
Classification: Uncertain significance for Cardiovascular phenotype. Last evaluated: 2025-02-27. Review status: criteria provided, single submitter. Criteria: Ambry Variant Classification Scheme 2023. Collection method: clinical testing. Allele origin: germline.
Comment: The p.Q126H variant (also known as c.378G>C), located in coding exon 2 of the TCAP gene, results from a G to C substitution at nucleotide position 378. The glutamine at codon 126 is replaced by histidine, an amino acid with highly similar properties. This amino acid position is conserved. In addition, this alteration is predicted to be tolerated by in silico analysis. Based on the available evidence, the clinical significance of this variant remains unclear.

Women's Health and Genetics/Laboratory Corporation of America, LabCorp
Classification: Uncertain significance. Last evaluated: 2016-01-26. Review status: criteria provided, single submitter. Criteria: LabCorp Variant Classification Summary - May 2015. Collection method: clinical testing. Allele origin: germline.